The following is an entry in ClinVar:

ClinVar aggregate classification (germline): Uncertain significance (1 of 4 stars; one submission).

Conditions:
Autosomal recessive limb-girdle muscular dystrophy type 2A (LGMDR1). Also called: Muscular dystrophy, limb-girdle, type 2A, Amish; LEYDEN-MOEBIUS MUSCULAR DYSTROPHY; MUSCULAR DYSTROPHY, PELVOFEMORAL; Limb-girdle muscular dystrophy, type 2A; Calpainopathy. Identifiers: Orphanet 267, MedGen C1869123, MONDO:0009675, OMIM 253600. Disease mechanism: loss of function.

Submission:

Labcorp Genetics (formerly Invitae), Labcorp
Classification: Uncertain significance for Autosomal recessive limb-girdle muscular dystrophy type 2A. Last evaluated: 2025-09-30. Review status: criteria provided, single submitter. Criteria: Invitae Variant Classification Sherloc (09022015). Collection method: clinical testing. Allele origin: germline.
Comment: This sequence change replaces isoleucine, which is neutral and non-polar, with serine, which is neutral and polar, at codon 724 of the CAPN3 protein (p.Ile724Ser). This variant is not present in population databases (gnomAD no frequency). This variant has not been reported in the literature in individuals affected with CAPN3-related conditions. Invitae Evidence Modeling of protein sequence and biophysical properties (such as structural, functional, and spatial information, amino acid conservation, physicochemical variation, residue mobility, and thermodynamic stability) indicates that this missense variant is expected to disrupt CAPN3 protein function with a positive predictive value of 80%. Algorithms developed to predict the effect of sequence changes on RNA splicing suggest that this variant may disrupt the consensus splice site. In summary, the available evidence is currently insufficient to determine the role of this variant in disease. Therefore, it has been classified as a Variant of Uncertain Significance.

NM_000070.3(CAPN3):c.2171T>G (p.Ile724Ser)

Gene: CAPN3 (calpain 3; plus strand). Cytogenetic location: 15q15.1.
Variant type: single nucleotide variant.
Coding change: c.2171T>G on transcript NM_000070.3 (MANE Select); coding-DNA position 2171, T replaced by G.
Protein change: p.Ile724Ser; replaces isoleucine 724 with serine.
Molecular consequence: missense variant.
Genome position (GRCh38, 1-based): chr15:42,410,483, T>G. VCF-style: chr15-42410483-T-G. GRCh37 (hg19) VCF-style: chr15-42702681-T-G.
Other names: c.2153T>G, p.Ile718Ser (NM_024344.2); c.1895T>G, p.Ile632Ser (NM_173087.2); c.635T>G, p.Ile212Ser (NM_173088.2); c.176T>G, p.Ile59Ser (NM_173089.2, NM_173090.2); short protein forms I724S, I59S, I718S, I632S, I212S.
Identifiers: ClinVar variation 4742021 (VCV004742021.1).
Genomic context (GRCh38, chr15:42,410,483, plus strand): 5'-TCCAGACAGATGGCTCTGGAAAGCTCAACCTGCAGGAGTTCCACCACCTCTGGAACAAGA[T>G]TAAGGCCTGGCAGGTGGGAAGAGAAAATGAAGCGTGGGAGTCAAGAATGGGGTTGATTTG-3'
Protein context (NP_000061.1, residues 714-734): LQEFHHLWNK[Ile724Ser]KAWQKIFKHY